The following is an entry in ClinVar:

ClinVar aggregate classification (germline): Likely benign (1 of 4 stars; one submission).

Allele frequency attached by ClinVar (database versions not stated): gnomAD exomes below 0.00001.
gnomAD v4.1: 2 of 1,613,216 alleles (0.00012%); highest among the groups gnomAD compares: Non-Finnish European, 0.00017%; no homozygotes.

Submission:

CeGaT Center for Human Genetics Tuebingen
Classification: Likely benign. Last evaluated: 2022-10-01. Review status: criteria provided, single submitter. Criteria: CeGaT Center For Human Genetics Tuebingen Variant Classification Criteria Version 2. Collection method: clinical testing. Allele origin: germline. Affected: yes. Observed: 1 variant allele.
Comment: DST: PM2:Supporting, BP4, BP7

NM_001374736.1(DST):c.11634A>G (p.Gln3878=)

Gene: DST (dystonin; minus strand). Cytogenetic location: 6p12.1.
Variant type: single nucleotide variant.
Coding change: c.11634A>G on transcript NM_001374736.1 (MANE Select); coding-DNA position 11634, A replaced by G.
Protein change: p.Gln3878=; no amino-acid change (glutamine 3878 retained).
Molecular consequence: synonymous variant.
Genome position (GRCh38, 1-based): chr6:56,600,129, T>C on the plus strand (A>G on the coding strand, the complement: DST is on the minus strand). VCF-style: chr6-56600129-T-C. GRCh37 (hg19) VCF-style: chr6-56464927-T-C.
Other names: c.5277A>G, p.Gln1759= (NM_001144769.5); c.4863A>G, p.Gln1621= (NM_001144770.2); c.11634A>G, p.Gln3878= (NM_001374722.1); c.11001A>G, p.Gln3667= (NM_001374729.1); c.4743A>G, p.Gln1581= (NM_001374730.1, NM_001386100.1, NM_183380.4); c.11661A>G, p.Gln3887= (NM_001374734.1); c.3765A>G, p.Gln1255= (NM_015548.5).
Identifiers: ClinVar variation 2656659 (VCV002656659.24), dbSNP rs2536281425, ClinGen allele CA450489910.